The following is an entry in ClinVar:

NM_001199397.3(NEK1):c.2715C>G (p.Phe905Leu)

Gene: NEK1 (NIMA related kinase 1; minus strand). Cytogenetic location: 4q33.
Variant type: single nucleotide variant.
Coding change: c.2715C>G on transcript NM_001199397.3 (MANE Select); coding-DNA position 2715, C replaced by G.
Protein change: p.Phe905Leu; replaces phenylalanine 905 with leucine.
Molecular consequence: missense variant. On other transcripts: non-coding transcript variant (1), intron variant (1).
Genome position (GRCh38, 1-based): chr4:169,438,132, G>C on the plus strand (C>G on the coding strand, the complement: NEK1 is on the minus strand). VCF-style: chr4-169438132-G-C. GRCh37 (hg19) VCF-style: chr4-170359283-G-C.
Other names: c.2583C>G, p.Phe861Leu (NM_001199398.3); c.2424C>G, p.Phe808Leu (NM_001199399.3); c.2499C>G, p.Phe833Leu (NM_001199400.3); c.2715C>G, p.Phe905Leu (NM_001374418.1); c.2631C>G, p.Phe877Leu (NM_001374419.1, NM_012224.4); c.2580C>G, p.Phe860Leu (NM_001374420.1); c.2282-4467C>G (NM_001374421.1); short protein forms F860L, F877L, F905L, F808L, F861L, F833L.
Identifiers: ClinVar variation 1355148 (VCV001355148.6), dbSNP rs2149425544, ClinGen allele CA358730585.

ClinVar aggregate classification (germline): Uncertain significance (1 of 4 stars; one submission).

Conditions:
Short-rib thoracic dysplasia 6 with or without polydactyly (SRTD6). Also called: Majewski Syndrome; POLYDACTYLY WITH NEONATAL CHONDRODYSTROPHY, TYPE II; SHORT RIB-POLYDACTYLY SYNDROME, TYPE IIA; SHORT-RIB THORACIC DYSPLASIA 6 WITH POLYDACTYLY; SHORT-RIB THORACIC DYSPLASIA 6 WITHOUT POLYDACTYLY. Identifiers: MedGen C0024507, MONDO:0009894, OMIM 263520.

Submission:

Labcorp Genetics (formerly Invitae), Labcorp
Classification: Uncertain significance for Short-rib thoracic dysplasia 6 with or without polydactyly. Last evaluated: 2022-10-18. Review status: criteria provided, single submitter. Criteria: Invitae Variant Classification Sherloc (09022015). Collection method: clinical testing. Allele origin: germline.
Comment: In summary, the available evidence is currently insufficient to determine the role of this variant in disease. Therefore, it has been classified as a Variant of Uncertain Significance. Advanced modeling of protein sequence and biophysical properties (such as structural, functional, and spatial information, amino acid conservation, physicochemical variation, residue mobility, and thermodynamic stability) performed at Invitae indicates that this missense variant is not expected to disrupt NEK1 protein function. ClinVar contains an entry for this variant (Variation ID: 1355148). This variant has not been reported in the literature in individuals affected with NEK1-related conditions. This variant is not present in population databases (gnomAD no frequency). This sequence change replaces phenylalanine, which is neutral and non-polar, with leucine, which is neutral and non-polar, at codon 877 of the NEK1 protein (p.Phe877Leu).